The following is an entry in ClinVar:

ClinVar aggregate classification (germline): Uncertain significance (1 of 4 stars; one submission).

Conditions:
Congenital disorder of glycosylation type Ir (CDG1R). Also called: DDOST-congenital disorder of glycosylation. Identifiers: Orphanet 300536, MedGen C3281084, MONDO:0013789, OMIM 614507.

Submission:

Labcorp Genetics (formerly Invitae), Labcorp
Classification: Uncertain significance for Congenital disorder of glycosylation type Ir. Last evaluated: 2023-03-30. Review status: criteria provided, single submitter. Criteria: Invitae Variant Classification Sherloc (09022015). Collection method: clinical testing. Allele origin: germline.
Comment: In summary, the available evidence is currently insufficient to determine the role of this variant in disease. Therefore, it has been classified as a Variant of Uncertain Significance. Algorithms developed to predict the effect of missense changes on protein structure and function output the following: SIFT: "Not Available"; PolyPhen-2: "Benign"; Align-GVGD: "Not Available". The lysine amino acid residue is found in multiple mammalian species, which suggests that this missense change does not adversely affect protein function. This variant has not been reported in the literature in individuals affected with DDOST-related conditions. This variant is not present in population databases (gnomAD no frequency). This sequence change replaces arginine, which is basic and polar, with lysine, which is basic and polar, at codon 16 of the DDOST protein (p.Arg16Lys).

NM_005216.5(DDOST):c.-5G>A

Gene: DDOST (dolichyl-diphosphooligosaccharide--protein glycosyltransferase non-catalytic subunit; minus strand). Cytogenetic location: 1p36.12.
Variant type: single nucleotide variant.
Coding change: c.-5G>A on transcript NM_005216.5 (MANE Select); 5 bases upstream of the start codon, G replaced by A.
Molecular consequence: 5 prime UTR variant.
Genome position (GRCh38, 1-based): chr1:20,661,355, C>T on the plus strand (G>A on the coding strand, the complement: DDOST is on the minus strand). VCF-style: chr1-20661355-C-T. GRCh37 (hg19) VCF-style: chr1-20987848-C-T.
Identifiers: ClinVar variation 2848672 (VCV002848672.3), dbSNP rs2545285447, ClinGen allele CA338856750.
Genomic context (GRCh38, chr1:20,661,355, plus strand): 5'-AAGGGCAGCAGCAACCAAAAGAGGGCCCAAGCCCGGGCCGCGGTGCTGGGCTCCATCTTC[C>T]TCCTCCTGCCGAAGGACCCAGCACGTGCACACCGGAAGTACCCCATCTACGGTAGCCCAA-3'